The following is an entry in ClinVar:

ClinVar aggregate classification (germline): Uncertain significance (1 of 4 stars; one submission).

Conditions:
Colorectal cancer, hereditary nonpolyposis, type 7. Identifiers: Orphanet 144, MedGen C1858380, MONDO:0013725, OMIM 614385.

Submission:

Labcorp Genetics (formerly Invitae), Labcorp
Classification: Uncertain significance for Colorectal cancer, hereditary nonpolyposis, type 7. Last evaluated: 2021-11-01. Review status: criteria provided, single submitter. Criteria: Invitae Variant Classification Sherloc (09022015). Collection method: clinical testing. Allele origin: germline.
Comment: This sequence change replaces methionine, which is neutral and non-polar, with isoleucine, which is neutral and non-polar, at codon 162 of the MLH3 protein (p.Met162Ile). This variant is not present in population databases (gnomAD no frequency). This variant has not been reported in the literature in individuals affected with MLH3-related conditions. Algorithms developed to predict the effect of missense changes on protein structure and function are either unavailable or do not agree on the potential impact of this missense change (SIFT: "Deleterious"; PolyPhen-2: "Benign"; Align-GVGD: "Class C0"). In summary, the available evidence is currently insufficient to determine the role of this variant in disease. Therefore, it has been classified as a Variant of Uncertain Significance.

NM_001040108.2(MLH3):c.486G>A (p.Met162Ile)

Gene: MLH3 (mutL homolog 3; minus strand). Cytogenetic location: 14q24.3.
Variant type: single nucleotide variant.
Coding change: c.486G>A on transcript NM_001040108.2 (MANE Select); coding-DNA position 486, G replaced by A.
Protein change: p.Met162Ile; replaces methionine 162 with isoleucine.
Molecular consequence: missense variant.
Genome position (GRCh38, 1-based): chr14:75,049,170, C>T on the plus strand (G>A on the coding strand, the complement: MLH3 is on the minus strand). VCF-style: chr14-75049170-C-T. GRCh37 (hg19) VCF-style: chr14-75515873-C-T.
Other names: c.486G>A, p.Met162Ile (NM_014381.3); short protein forms M162I.
Identifiers: ClinVar variation 1423998 (VCV001423998.6), dbSNP rs2139605007, ClinGen allele CA390450057.